The following is an entry in ClinVar:

NM_012330.4(KAT6B):c.4633G>A (p.Val1545Ile)

Gene: KAT6B (lysine acetyltransferase 6B; plus strand). Cytogenetic location: 10q22.2.
Variant type: single nucleotide variant.
Coding change: c.4633G>A on transcript NM_012330.4 (MANE Select); coding-DNA position 4633, G replaced by A.
Protein change: p.Val1545Ile; replaces valine 1545 with isoleucine.
Molecular consequence: missense variant.
Genome position (GRCh38, 1-based): chr10:75,029,457, G>A. VCF-style: chr10-75029457-G-A. GRCh37 (hg19) VCF-style: chr10-76789215-G-A.
Other names: c.4084G>A, p.Val1362Ile (NM_001256468.2, NM_001370138.1); c.3757G>A, p.Val1253Ile (NM_001256469.2, NM_001370139.1, NM_001370140.1 and 2 more transcripts); c.3595G>A, p.Val1199Ile (NM_001370132.1); c.2944G>A, p.Val982Ile (NM_001370133.1); c.2548G>A, p.Val850Ile (NM_001370134.1); c.2290G>A, p.Val764Ile (NM_001370135.1); c.4633G>A, p.Val1545Ile (NM_001370136.1, NM_001370137.1); c.3568G>A, p.Val1190Ile (NM_001370143.1, NM_001370144.1); short protein forms V1545I, V850I, V764I, V1190I, V1362I, V982I, V1199I, V1253I.
Identifiers: ClinVar variation 623743 (VCV000623743.56), dbSNP rs145158232, ClinGen allele CA5565070.

ClinVar aggregate classification (germline): Benign/Likely benign. Review status: criteria provided, multiple submitters, no conflicts (2 of 4 stars). 6 submissions from 6 submitters: Benign (1); Likely benign (4). 1 of the submissions does not count toward it. Last evaluated 2026-01-12.

Conditions:
KAT6B-related disorder. Also called: KAT6B-related disorders; KAT6B-related condition.
Genitopatellar syndrome (GTPTS). Also called: Genitopatellar syndrome (GPS); ABSENT PATELLAE, SCROTAL HYPOPLASIA, RENAL ANOMALIES, FACIAL DYSMORPHISM, AND MENTAL RETARDATION. Identifiers: Orphanet 85201, MedGen C1853566, MONDO:0011640, OMIM 606170.

Allele frequency attached by ClinVar (database versions not stated): ESP Exome Variant Server 0.00008; gnomAD 0.00031 and 0.00033; gnomAD exomes 0.00019; ExAC 0.00026; TOPMed 0.00030.
gnomAD v4.1: 437 of 1,614,008 alleles (0.027%); highest among the groups gnomAD compares: Non-Finnish European, 0.032%; no homozygotes.

Submissions (6):

Labcorp Genetics (formerly Invitae), Labcorp
Classification: Benign for Genitopatellar syndrome. Last evaluated: 2026-01-12. Review status: criteria provided, single submitter. Criteria: Invitae Variant Classification Sherloc (09022015). Collection method: clinical testing. Allele origin: germline.

Women's Health and Genetics/Laboratory Corporation of America, LabCorp
Classification: Likely benign. Last evaluated: 2025-12-11. Review status: criteria provided, single submitter. Criteria: LabCorp Variant Classification Summary - May 2015. Collection method: clinical testing. Allele origin: germline.
Comment: Variant summary: KAT6B c.4633G>A (p.Val1545Ile) results in a conservative amino acid change in the encoded protein sequence. Algorithms developed to predict the effect of missense changes on protein structure and function are either unavailable or do not agree on the potential impact of this missense change. The variant allele was found at a frequency of 0.00019 in 251368 control chromosomes. To our knowledge, no occurrence of c.4633G>A in individuals affected with KAT6B-related conditions and no experimental evidence demonstrating its impact on protein function have been reported. ClinVar contains an entry for this variant (Variation ID: 623743). Based on the evidence outlined above, the variant was classified as likely benign.

Blueprint Genetics
Classification: Likely benign. Last evaluated: 2024-09-24. Review status: criteria provided, single submitter. Criteria: ACMG Guidelines, 2015. Collection method: clinical testing. Allele origin: germline.

CeGaT Center for Human Genetics Tuebingen
Classification: Likely benign. Last evaluated: 2022-11-01. Review status: criteria provided, single submitter. Criteria: CeGaT Center For Human Genetics Tuebingen Variant Classification Criteria Version 2. Collection method: clinical testing. Allele origin: germline. Affected: yes. Observed: 3 variant alleles.
Comment: KAT6B: BS2

GeneDx
Classification: Likely benign. Last evaluated: 2020-03-19. Review status: criteria provided, single submitter. Criteria: GeneDx Variant Classification Process June 2021. Collection method: clinical testing. Allele origin: germline. Affected: yes.

PreventionGenetics, part of Exact Sciences
Classification: Likely benign for KAT6B-related condition. Last evaluated: 2022-08-10. Review status: no assertion criteria provided. Collection method: clinical testing. Allele origin: germline. Not counted in ClinVar's aggregate classification.
Comment: This variant is classified as likely benign based on ACMG/AMP sequence variant interpretation guidelines (Richards et al. 2015 PMID: 25741868, with internal and published modifications).